The following is an entry in ClinVar:

NM_020223.4(FAM20C):c.1669G>A (p.Val557Ile)

Gene: FAM20C (FAM20C golgi associated secretory pathway kinase; plus strand). Cytogenetic location: 7p22.3.
Variant type: single nucleotide variant.
Coding change: c.1669G>A on transcript NM_020223.4 (MANE Select); coding-DNA position 1669, G replaced by A.
Protein change: p.Val557Ile; replaces valine 557 with isoleucine.
Molecular consequence: missense variant.
Genome position (GRCh38, 1-based): chr7:259,894, G>A. VCF-style: chr7-259894-G-A. GRCh37 (hg19) VCF-style: chr7-299860-G-A.
Other names: c.1669G>A (NM_020223.2); short protein forms V557I.
Identifiers: ClinVar variation 1038391 (VCV001038391.9), dbSNP rs960652603, ClinGen allele CA152288948.

ClinVar aggregate classification (germline): Uncertain significance. Review status: criteria provided, multiple submitters, no conflicts (2 of 4 stars). 2 submissions from 2 submitters: Uncertain significance (2). Last evaluated 2025-03-07.

Conditions:
Inborn genetic diseases. Identifiers: MedGen C0950123, MeSH D030342.

Allele frequency attached by ClinVar (database versions not stated): gnomAD exomes 0.00001; gnomAD 0.00005; TOPMed 0.00009.
gnomAD v4.1: 41 of 1,535,652 alleles (0.0027%); highest among the groups gnomAD compares: African/African-American, 0.0082%; no homozygotes.

Submissions (2):

Ambry Genetics
Classification: Uncertain significance for Inborn genetic diseases. Last evaluated: 2025-03-07. Review status: criteria provided, single submitter. Criteria: Ambry Variant Classification Scheme 2023. Collection method: clinical testing. Allele origin: germline.

Labcorp Genetics (formerly Invitae), Labcorp
Classification: Uncertain significance. Last evaluated: 2024-10-22. Review status: criteria provided, single submitter. Criteria: Invitae Variant Classification Sherloc (09022015). Collection method: clinical testing. Allele origin: germline.
Comment: This sequence change replaces valine, which is neutral and non-polar, with isoleucine, which is neutral and non-polar, at codon 557 of the FAM20C protein (p.Val557Ile). This variant is present in population databases (no rsID available, gnomAD 0.006%). This variant has not been reported in the literature in individuals affected with FAM20C-related conditions. ClinVar contains an entry for this variant (Variation ID: 1038391). Invitae Evidence Modeling of protein sequence and biophysical properties (such as structural, functional, and spatial information, amino acid conservation, physicochemical variation, residue mobility, and thermodynamic stability) indicates that this missense variant is not expected to disrupt FAM20C protein function with a negative predictive value of 80%. In summary, the available evidence is currently insufficient to determine the role of this variant in disease. Therefore, it has been classified as a Variant of Uncertain Significance.